The following is an entry in ClinVar:

NM_001854.4(COL11A1):c.3602G>T (p.Gly1201Val)

Gene: COL11A1 (collagen type XI alpha 1 chain; minus strand). Cytogenetic location: 1p21.1.
Variant type: single nucleotide variant.
Coding change: c.3602G>T on transcript NM_001854.4 (MANE Select); coding-DNA position 3602, G replaced by T.
Protein change: p.Gly1201Val; replaces glycine 1201 with valine.
Molecular consequence: missense variant. On other transcripts: non-coding transcript variant (1).
Genome position (GRCh38, 1-based): chr1:102,923,388, C>A on the plus strand (G>T on the coding strand, the complement: COL11A1 is on the minus strand). VCF-style: chr1-102923388-C-A. GRCh37 (hg19) VCF-style: chr1-103388944-C-A.
Other names: c.3485G>T, p.Gly1162Val (NM_001190709.2); c.3638G>T, p.Gly1213Val (NM_080629.3); c.3254G>T, p.Gly1085Val (NM_080630.4); c.3602G>T (NM_001854.3); short protein forms G1162V, G1085V, G1213V, G1201V.
Identifiers: ClinVar variation 1371404 (VCV001371404.7), dbSNP rs1016660094, ClinGen allele CA27683927.

ClinVar aggregate classification (germline): Uncertain significance. Review status: criteria provided, multiple submitters, no conflicts (2 of 4 stars). 2 submissions from 2 submitters: Uncertain significance (2). Last evaluated 2024-03-08.

Submissions (2):

GeneDx
Classification: Uncertain significance. Last evaluated: 2024-03-08. Review status: criteria provided, single submitter. Criteria: GeneDx Variant Classification Process June 2021. Collection method: clinical testing. Allele origin: germline. Affected: yes.
Comment: Not observed at significant frequency in large population cohorts (gnomAD); In silico analysis supports that this missense variant has a deleterious effect on protein structure/function; Has not been previously published as pathogenic or benign to our knowledge; This variant is associated with the following publications: (PMID: 25240749)

Labcorp Genetics (formerly Invitae), Labcorp
Classification: Uncertain significance. Last evaluated: 2021-07-31. Review status: criteria provided, single submitter. Criteria: Invitae Variant Classification Sherloc (09022015). Collection method: clinical testing. Allele origin: germline.
Comment: This variant has not been reported in the literature in individuals affected with COL11A1-related conditions. This variant is not present in population databases (ExAC no frequency). This sequence change replaces glycine with valine at codon 1201 of the COL11A1 protein (p.Gly1201Val). The glycine residue is highly conserved and there is a moderate physicochemical difference between glycine and valine. Algorithms developed to predict the effect of missense changes on protein structure and function are either unavailable or do not agree on the potential impact of this missense change (SIFT: "Deleterious"; PolyPhen-2: "Not Available"; Align-GVGD: "Class C65"). In summary, the available evidence is currently insufficient to determine the role of this variant in disease. Therefore, it has been classified as a Variant of Uncertain Significance.